The following is an entry in ClinVar:

NC_000008.11:g.(?_100187100)_(100187270_?)del

Gene: SPAG1 (sperm associated antigen 1; plus strand). Cytogenetic location: 8q22.2.
Variant type: Deletion.
Identifiers: ClinVar variation 666216 (VCV000666216.1).

ClinVar aggregate classification (germline): Pathogenic (1 of 4 stars; one submission).

Conditions:
Primary ciliary dyskinesia 28. Also called: CILIARY DYSKINESIA, PRIMARY, 28, WITH OR WITHOUT SITUS INVERSUS. Identifiers: Orphanet 244, MedGen C3809706, MONDO:0014216, OMIM 615505.

Submission:

Labcorp Genetics (formerly Invitae), Labcorp
Classification: Pathogenic for Ciliary dyskinesia, primary, 28. Last evaluated: 2018-07-17. Review status: criteria provided, single submitter. Criteria: Invitae Variant Classification Sherloc (09022015). Collection method: clinical testing. Allele origin: germline.
Comment: This variant is an out-of-frame deletion of the genomic region encompassing exon 8 of the SPAG1 gene. This is expected to create a premature translational stop signal and result in an absent or disrupted protein product. This variant has not been reported in the literature in individuals with SPAG1-related disease. Loss-of-function variants in SPAG1 are known to be pathogenic (PMID: 24055112). For these reasons, this variant has been classified as Pathogenic.